The following is an entry in ClinVar:

ClinVar aggregate classification (germline): Benign (1 of 4 stars; one submission).

Conditions:
MELAS syndrome (MELAS). Also called: Juvenile myopathy, encephalopathy, lactic acidosis, stroke. Identifiers: Orphanet 550, MedGen C0162671, MONDO:0010789, OMIM 540000.

Submission:

Wong Mito Lab, Molecular and Human Genetics, Baylor College of Medicine
Classification: Benign for MELAS syndrome. Last evaluated: 2019-07-12. Review status: criteria provided, single submitter. Criteria: Modified ACMG Guidelines (Unpublished). Collection method: clinical testing. Allele origin: germline.
Comment: The NC_012920.1:m.15891C>T variant in MT-TT gene is interpreted to be a Benign variant based on the modified ACMG guidelines (unpublished). This variant meets the following evidence codes reported in the guidelines: BS1, BS4, BP4

Literature cited by the submitters: PubMed 31965079.

NC_012920.1(MT-TT):m.15891C>T

Gene: MT-TT (mitochondrially encoded tRNA threonine; plus strand).
Variant type: single nucleotide variant.
Genome position: chrM-15891-C-T.
Identifiers: ClinVar variation 690215 (VCV000690215.1), dbSNP rs1556424681, ClinGen allele CA913175128.